The following is an entry in ClinVar:

NM_000417.3(IL2RA):c.491C>T (p.Ala164Val)

Gene: IL2RA (interleukin 2 receptor subunit alpha; minus strand). Cytogenetic location: 10p15.1.
Variant type: single nucleotide variant.
Coding change: c.491C>T on transcript NM_000417.3 (MANE Select); coding-DNA position 491, C replaced by T.
Protein change: p.Ala164Val; replaces alanine 164 with valine.
Molecular consequence: missense variant. On other transcripts: intron variant (2).
Genome position (GRCh38, 1-based): chr10:6,021,570, G>A on the plus strand (C>T on the coding strand, the complement: IL2RA is on the minus strand). VCF-style: chr10-6021570-G-A. GRCh37 (hg19) VCF-style: chr10-6063533-G-A.
Other names: c.368-2071C>T (NM_001308243.2); c.368-1629C>T (NM_001308242.2); short protein forms A164V.
Identifiers: ClinVar variation 951691 (VCV000951691.7), dbSNP rs1380793631, ClinGen allele CA375926501.
Genomic context (GRCh38, chr10:6,021,570, plus strand): 5'-CATATGAGCTGGGGCTGGGTCCACCTTGTCTTCCCGTGGGTCATTTTGCAGACGCTCTCA[G>A]CAGGACCTCTGTGTAGAGCCCTGTATCCCTGGACGCACTGATAATAAACCATCTGCCCCA-3'
Protein context (NP_000408.1, residues 154-174): QGYRALHRGP[Ala164Val]ESVCKMTHGK

ClinVar aggregate classification (germline): Uncertain significance (1 of 4 stars; one submission).

Conditions:
Immunodeficiency due to CD25 deficiency. Also called: IL2RA DEFICIENCY; IMMUNODEFICIENCY 41 WITH LYMPHOPROLIFERATION AND AUTOIMMUNITY; CD25 DEFICIENCY. Identifiers: Orphanet 169100, MedGen C1853392, MONDO:0011664, OMIM 606367.

Allele frequency attached by ClinVar (database versions not stated): gnomAD exomes below 0.00001 and 0.00001; TOPMed below 0.00001.
gnomAD v4.1: 17 of 1,614,046 alleles (0.0011%); highest among the groups gnomAD compares: Non-Finnish European, 0.0014%; no homozygotes.

Submission:

Labcorp Genetics (formerly Invitae), Labcorp
Classification: Uncertain significance for Immunodeficiency due to CD25 deficiency. Last evaluated: 2021-08-28. Review status: criteria provided, single submitter. Criteria: Invitae Variant Classification Sherloc (09022015). Collection method: clinical testing. Allele origin: germline.
Comment: This sequence change replaces alanine with valine at codon 164 of the IL2RA protein (p.Ala164Val). The alanine residue is highly conserved and there is a small physicochemical difference between alanine and valine. This variant is not present in population databases (ExAC no frequency). This variant has not been reported in the literature in individuals affected with IL2RA-related conditions. Algorithms developed to predict the effect of missense changes on protein structure and function output the following: SIFT: "Deleterious"; PolyPhen-2: "Benign"; Align-GVGD: "Class C55". The valine amino acid residue is found in multiple mammalian species, which suggests that this missense change does not adversely affect protein function. In summary, the available evidence is currently insufficient to determine the role of this variant in disease. Therefore, it has been classified as a Variant of Uncertain Significance.